The following is an entry in ClinVar:

ClinVar aggregate classification (germline): Uncertain significance. Review status: criteria provided, multiple submitters, no conflicts (2 of 4 stars). 2 submissions from 2 submitters: Uncertain significance (2). Last evaluated 2024-05-18.

Conditions:
Catecholaminergic polymorphic ventricular tachycardia 1. Also called: RYR2-Related Catecholaminergic Polymorphic Ventricular Tachycardia; VENTRICULAR TACHYCARDIA, CATECHOLAMINERGIC POLYMORPHIC, 1, WITH OR WITHOUT ATRIAL DYSFUNCTION AND/OR DILATED CARDIOMYOPATHY; VENTRICULAR TACHYCARDIA, STRESS-INDUCED POLYMORPHIC 1. Identifiers: Orphanet 3286, MedGen C1631597, MONDO:0011484, OMIM 604772.

Allele frequency attached by ClinVar (database versions not stated): gnomAD exomes below 0.00001.
gnomAD v4.1: 2 of 1,608,282 alleles (0.00012%); highest among the groups gnomAD compares: Non-Finnish European, 0.000085%; no homozygotes.

Submissions (2):

Labcorp Genetics (formerly Invitae), Labcorp
Classification: Uncertain significance for Catecholaminergic polymorphic ventricular tachycardia 1. Last evaluated: 2024-05-18. Review status: criteria provided, single submitter. Criteria: Invitae Variant Classification Sherloc (09022015). Collection method: clinical testing. Allele origin: germline.
Comment: This sequence change replaces tyrosine, which is neutral and polar, with cysteine, which is neutral and slightly polar, at codon 3138 of the RYR2 protein (p.Tyr3138Cys). This variant is not present in population databases (gnomAD no frequency). This variant has not been reported in the literature in individuals affected with RYR2-related conditions. ClinVar contains an entry for this variant (Variation ID: 1320545). Advanced modeling of protein sequence and biophysical properties (such as structural, functional, and spatial information, amino acid conservation, physicochemical variation, residue mobility, and thermodynamic stability) has been performed at Invitae for this missense variant, however the output from this modeling did not meet the statistical confidence thresholds required to predict the impact of this variant on RYR2 protein function. In summary, the available evidence is currently insufficient to determine the role of this variant in disease. Therefore, it has been classified as a Variant of Uncertain Significance.

GeneDx
Classification: Uncertain significance. Last evaluated: 2020-02-13. Review status: criteria provided, single submitter. Criteria: GeneDx Variant Classification Process June 2021. Collection method: clinical testing. Allele origin: germline. Affected: yes.
Comment: Has not been previously published as pathogenic or benign to our knowledge; Not observed at a significant frequency in large population cohorts (Lek et al., 2016); In silico analysis supports that this missense variant has a deleterious effect on protein structure/function; Not located in one of the three hot-spot regions of the RYR2 gene, where the majority of pathogenic missense variants occur (Medeiros-Domingo et al., 2009)

NM_001035.3(RYR2):c.9413A>G (p.Tyr3138Cys)

Gene: RYR2 (ryanodine receptor 2; plus strand). Cytogenetic location: 1q43.
Variant type: single nucleotide variant.
Coding change: c.9413A>G on transcript NM_001035.3 (MANE Select); coding-DNA position 9413, A replaced by G.
Protein change: p.Tyr3138Cys; replaces tyrosine 3138 with cysteine.
Molecular consequence: missense variant.
Genome position (GRCh38, 1-based): chr1:237,702,023, A>G. VCF-style: chr1-237702023-A-G. GRCh37 (hg19) VCF-style: chr1-237865323-A-G.
Other names: short protein forms Y3138C.
Identifiers: ClinVar variation 1320545 (VCV001320545.4), dbSNP rs1558249723, ClinGen allele CA345406381.
Genomic context (GRCh38, chr1:237,702,023, plus strand): 5'-TCTCTTTTTCCTTAGTGGAAGATGTCCAGGTGTCTTGTTATAGAATTCTGACTAGCTTAT[A>G]TGCTTTGGGAACCAGCAAGAGTATTTACGTGGAGAGGTAAGAATGTTTAAAGTTTAACTT-3'
Protein context (NP_001026.2, residues 3128-3148): VSCYRILTSL[Tyr3138Cys]ALGTSKSIYV